The following is an entry in ClinVar:

ClinVar aggregate classification (germline): Conflicting classifications of pathogenicity. Review status: criteria provided, conflicting classifications (1 of 4 stars). 2 submissions from 2 submitters: Uncertain significance (1); Likely benign (1). Last evaluated 2025-06-01.

gnomAD v4.1: 52 of 1,613,644 alleles (0.0032%); highest among the groups gnomAD compares: Non-Finnish European, 0.0036%; no homozygotes.

Submissions (2):

CeGaT Center for Human Genetics Tuebingen
Classification: Likely benign. Last evaluated: 2025-06-01. Review status: criteria provided, single submitter. Criteria: CeGaT Center For Human Genetics Tuebingen Variant Classification Criteria Version 2. Collection method: clinical testing. Allele origin: germline. Affected: yes. Observed: 1 variant allele.
Comment: ANGPT2: BP4, BS2

Ambry Genetics
Classification: Uncertain significance. Last evaluated: 2024-10-23. Review status: criteria provided, single submitter. Criteria: Ambry Variant Classification Scheme 2023. Collection method: clinical testing. Allele origin: germline.

NM_001118887.2(ANGPT2):c.1160A>C (p.Glu387Ala)

Genes: ANGPT2 (angiopoietin 2; minus strand), MCPH1 (microcephalin 1; plus strand). Cytogenetic location: 8p23.1.
Variant type: single nucleotide variant.
Coding change: c.1160A>C on transcript NM_001118887.2 (MANE Select); coding-DNA position 1160, A replaced by C.
Protein change: p.Glu387Ala; replaces glutamic acid 387 with alanine.
Molecular consequence: missense variant. On other transcripts: intron variant (6).
Genome position (GRCh38, 1-based): chr8:6,513,714, T>G on the plus strand (A>C on the coding strand, the complement: ANGPT2 is on the minus strand). VCF-style: chr8-6513714-T-G. GRCh37 (hg19) VCF-style: chr8-6371235-T-G.
Other names: c.1007A>C, p.Glu336Ala (NM_001118888.2); c.1163A>C, p.Glu388Ala (NM_001147.3, NM_001386336.1); c.1004A>C, p.Glu335Ala (NM_001386335.1); c.1160A>C, p.Glu387Ala (NM_001386337.1); c.2214+13785T>G (NM_001322042.2, NM_024596.5, NM_001363979.1 and 2 more transcripts); c.1935+58462T>G (NM_001363980.2); short protein forms E336A, E387A, E388A, E335A.
Identifiers: ClinVar variation 3537861 (VCV003537861.9).
Genomic context (GRCh38, chr8:6,513,714, plus strand): 5'-TTCAATTACCATGAACTCACTTACCTATAATTGAGTTCTTCACTTGAGAGATAGAAATGT[T>G]CATACAATGAGTAAGCCTCATTCCCTTCCCAGTCTTTAAGGTGTATTTTAAGCACATAGC-3'
Protein context (NP_001112359.1, residues 377-397): WEGNEAYSLY[Glu387Ala]HFYLSSEELN